The following is an entry in ClinVar:

ClinVar aggregate classification (germline): Conflicting classifications of pathogenicity. Review status: criteria provided, conflicting classifications (1 of 4 stars). 3 submissions from 3 submitters: Uncertain significance (2); Likely benign (1). Last evaluated 2026-02-02.

Conditions:
Cardiac arrhythmia. Also called: Arrhythmia; Cardiac rhythm disease. Identifiers: MedGen C0003811, MONDO:0007263, HP:0011675.
Long QT syndrome (LQTS). Identifiers: MedGen C0023976, MeSH D008133, MONDO:0002442. Disease mechanism: loss of function. Inheritance: Various modes of inheritance.

Allele frequency attached by ClinVar (database versions not stated): gnomAD 0.00001; TOPMed 0.00001; gnomAD exomes 0.00004; ExAC 0.00005.

Submissions (3):

Labcorp Genetics (formerly Invitae), Labcorp
Classification: Uncertain significance for Long QT syndrome. Last evaluated: 2026-02-02. Review status: criteria provided, single submitter. Criteria: Invitae Variant Classification Sherloc (09022015). Collection method: clinical testing. Allele origin: germline.
Comment: This sequence change replaces cysteine, which is neutral and slightly polar, with phenylalanine, which is neutral and non-polar, at codon 977 of the KCNH2 protein (p.Cys977Phe). This variant is present in population databases (rs767252448, gnomAD 0.03%). This variant has not been reported in the literature in individuals affected with KCNH2-related conditions. ClinVar contains an entry for this variant (Variation ID: 405354). An algorithm developed to predict the effect of missense changes on protein structure and function (PolyPhen-2) suggests that this variant is likely to be tolerated. In summary, the available evidence is currently insufficient to determine the role of this variant in disease. Therefore, it has been classified as a Variant of Uncertain Significance.

Color Diagnostics, LLC DBA Color Health
Classification: Likely benign for Cardiac arrhythmia. Last evaluated: 2025-08-20. Review status: criteria provided, single submitter. Criteria: ACMG Guidelines, 2015. Collection method: clinical testing. Allele origin: germline.

All of Us Research Program, National Institutes of Health
Classification: Uncertain significance for Long QT syndrome. Last evaluated: 2023-11-02. Review status: criteria provided, single submitter. Criteria: ACMG Guidelines, 2015. Collection method: clinical testing. Allele origin: germline. Inheritance: Autosomal dominant inheritance. Observed: 4 variant alleles, 4 heterozygotes.
Comment: This missense variant replaces cysteine with phenylalanine at codon 977 of the KCNH2 protein. Computational prediction suggests that this variant may not impact protein structure and function (internally defined REVEL score threshold <= 0.5, PMID: 27666373). To our knowledge, functional studies have not been reported for this variant. This variant has not been reported in individuals affected with KCNH2-related disorders in the literature. This variant has been identified in 10/274664 chromosomes in the general population by the Genome Aggregation Database (gnomAD). The available evidence is insufficient to determine the role of this variant in disease conclusively. Therefore, this variant is classified as a Variant of Uncertain Significance.

This study involves interpretation of variants in research participants for the purpose of population health screening. Participant phenotype was not available at the time of variant classification. Additional details can be found in publication PMID: 35346344, PMCID: PMC8962531

NM_000238.4(KCNH2):c.2930G>T (p.Cys977Phe)

Gene: KCNH2 (potassium voltage-gated channel subfamily H member 2; minus strand). Cytogenetic location: 7q36.1.
Variant type: single nucleotide variant.
Coding change: c.2930G>T on transcript NM_000238.4 (MANE Select); coding-DNA position 2930, G replaced by T.
Protein change: p.Cys977Phe; replaces cysteine 977 with phenylalanine.
Molecular consequence: missense variant.
Genome position (GRCh38, 1-based): chr7:150,947,641, C>A on the plus strand (G>T on the coding strand, the complement: KCNH2 is on the minus strand). VCF-style: chr7-150947641-C-A. GRCh37 (hg19) VCF-style: chr7-150644729-C-A.
Other names: c.1910G>T, p.Cys637Phe (NM_172057.3); short protein forms C977F, C637F.
Identifiers: ClinVar variation 405354 (VCV000405354.9), dbSNP rs767252448, ClinGen allele CA035467.
Genomic context (GRCh38, chr7:150,947,641, plus strand): 5'-CTCGCCCGCCCGTCGCCCGGGATACCTGACAGGGGGTTGCAAGTGTCGCTGCTCTTCTCG[C>A]AGTCCTCCATCAGGGGCTCCCCACCCGGCGGCTCTCCGGGGGGCCTGGGGCTGGAGAAGG-3'
Protein context (NP_000229.1, residues 967-987): PPGGEPLMED[Cys977Phe]EKSSDTCNPL